The following is an entry in ClinVar:

ClinVar aggregate classification (germline): Uncertain significance. Review status: criteria provided, multiple submitters, no conflicts (2 of 4 stars). 2 submissions from 2 submitters: Uncertain significance (2). Last evaluated 2025-06-06.

Conditions:
Inborn genetic diseases. Identifiers: MedGen C0950123, MeSH D030342.

Allele frequency attached by ClinVar (database versions not stated): TOPMed below 0.00001; gnomAD 0.00001; gnomAD exomes 0.00001; ExAC 0.00003.

Submissions (2):

Ambry Genetics
Classification: Uncertain significance for Inborn genetic diseases. Last evaluated: 2025-06-06. Review status: criteria provided, single submitter. Criteria: Ambry Variant Classification Scheme 2023. Collection method: clinical testing. Allele origin: germline.

Labcorp Genetics (formerly Invitae), Labcorp
Classification: Uncertain significance. Last evaluated: 2022-07-26. Review status: criteria provided, single submitter. Criteria: Invitae Variant Classification Sherloc (09022015). Collection method: clinical testing. Allele origin: germline.
Comment: This sequence change replaces arginine, which is basic and polar, with cysteine, which is neutral and slightly polar, at codon 330 of the DHCR24 protein (p.Arg330Cys). In summary, the available evidence is currently insufficient to determine the role of this variant in disease. Therefore, it has been classified as a Variant of Uncertain Significance. Algorithms developed to predict the effect of missense changes on protein structure and function (SIFT, PolyPhen-2, Align-GVGD) all suggest that this variant is likely to be disruptive. ClinVar contains an entry for this variant (Variation ID: 1046275). This variant has not been reported in the literature in individuals affected with DHCR24-related conditions. This variant is present in population databases (rs754424849, gnomAD 0.01%).

NM_014762.4(DHCR24):c.988C>T (p.Arg330Cys)

Gene: DHCR24 (24-dehydrocholesterol reductase; minus strand). Cytogenetic location: 1p32.3.
Variant type: single nucleotide variant.
Coding change: c.988C>T on transcript NM_014762.4 (MANE Select); coding-DNA position 988, C replaced by T.
Protein change: p.Arg330Cys; replaces arginine 330 with cysteine.
Molecular consequence: missense variant.
Genome position (GRCh38, 1-based): chr1:54,865,335, G>A on the plus strand (C>T on the coding strand, the complement: DHCR24 is on the minus strand). VCF-style: chr1-54865335-G-A. GRCh37 (hg19) VCF-style: chr1-55331008-G-A.
Other names: c.988C>T (NM_014762.3); short protein forms R330C.
Identifiers: ClinVar variation 1046275 (VCV001046275.9), dbSNP rs754424849, ClinGen allele CA870678.